The following is an entry in ClinVar:

NM_000379.4(XDH):c.2126A>G (p.Tyr709Cys)

Gene: XDH (xanthine dehydrogenase; minus strand). Cytogenetic location: 2p23.1.
Variant type: single nucleotide variant.
Coding change: c.2126A>G on transcript NM_000379.4 (MANE Select); coding-DNA position 2126, A replaced by G.
Protein change: p.Tyr709Cys; replaces tyrosine 709 with cysteine.
Molecular consequence: missense variant.
Genome position (GRCh38, 1-based): chr2:31,368,032, T>C on the plus strand (A>G on the coding strand, the complement: XDH is on the minus strand). VCF-style: chr2-31368032-T-C. GRCh37 (hg19) VCF-style: chr2-31590898-T-C.
Other names: c.2126A>G (NM_000379.3); short protein forms Y709C.
Identifiers: ClinVar variation 1358222 (VCV001358222.10), dbSNP rs146345594, ClinGen allele CA1598936.

ClinVar aggregate classification (germline): Uncertain significance. Review status: criteria provided, multiple submitters, no conflicts (2 of 4 stars). 3 submissions from 3 submitters: Uncertain significance (3). Last evaluated 2024-12-11.

Conditions:
Inborn genetic diseases. Identifiers: MedGen C0950123, MeSH D030342.
Xanthinuria type II. Also called: Xanthine dehydrogenase and aldehyde oxidase combined deficiency of; XDH and AOX dual deficiency. Identifiers: Orphanet 3467, Orphanet 93602, MedGen C1863688, MONDO:0011346, OMIM 603592.
Hereditary xanthinuria type 1 (XAN1). Identifiers: Orphanet 3467, Orphanet 93601, MedGen C0268118, MONDO:0010209, OMIM 278300.

Allele frequency attached by ClinVar (database versions not stated): ExAC 0.00001; gnomAD exomes 0.00001 and 0.00002; TOPMed 0.00002; ESP Exome Variant Server 0.00008.
gnomAD v4.1: 17 of 1,614,144 alleles (0.0011%); highest among the groups gnomAD compares: Middle Eastern, 0.017%; no homozygotes.

Submissions (3):

Ambry Genetics
Classification: Uncertain significance for Inborn genetic diseases. Last evaluated: 2024-12-11. Review status: criteria provided, single submitter. Criteria: Ambry Variant Classification Scheme 2023. Collection method: clinical testing. Allele origin: germline.

Fulgent Genetics
Classification: Uncertain significance for Hereditary xanthinuria type 1. Last evaluated: 2024-04-18. Review status: criteria provided, single submitter. Criteria: ACMG Guidelines, 2015. Collection method: clinical testing. Allele origin: germline.

Labcorp Genetics (formerly Invitae), Labcorp
Classification: Uncertain significance for Xanthinuria type II. Last evaluated: 2021-02-23. Review status: criteria provided, single submitter. Criteria: Invitae Variant Classification Sherloc (09022015). Collection method: clinical testing. Allele origin: germline.
Comment: Algorithms developed to predict the effect of missense changes on protein structure and function are either unavailable or do not agree on the potential impact of this missense change (SIFT: "Deleterious"; PolyPhen-2: "Possibly Damaging"; Align-GVGD: "Class C0"). In summary, the available evidence is currently insufficient to determine the role of this variant in disease. Therefore, it has been classified as a Variant of Uncertain Significance. This variant is present in population databases (rs146345594, ExAC 0.001%). This sequence change replaces tyrosine with cysteine at codon 709 of the XDH protein (p.Tyr709Cys). The tyrosine residue is moderately conserved and there is a large physicochemical difference between tyrosine and cysteine. This variant has not been reported in the literature in individuals with XDH-related conditions.